The following is an entry in ClinVar:

NM_000059.4(BRCA2):c.7903G>T (p.Glu2635Ter)

Gene: BRCA2 (BRCA2 DNA repair associated; plus strand). Cytogenetic location: 13q13.1.
Variant type: single nucleotide variant.
Coding change: c.7903G>T on transcript NM_000059.4 (MANE Select); coding-DNA position 7903, G replaced by T.
Protein change: p.Glu2635Ter; replaces glutamic acid 2635 with a stop codon.
Molecular consequence: nonsense.
Genome position (GRCh38, 1-based): chr13:32,362,620, G>T. VCF-style: chr13-32362620-G-T. GRCh37 (hg19) VCF-style: chr13-32936757-G-T.
Other names: c.7807G>T, p.Glu2603Ter (NM_001406719.1); c.7903G>T, p.Glu2635Ter (NM_001406720.1); c.2971G>T, p.Glu991Ter (NM_001406721.1); c.1486G>T, p.Glu496Ter (NM_001406722.1); short protein forms E2603*, E2635*, E496*, E991*.
Identifiers: ClinVar variation 1709447 (VCV001709447.2), dbSNP rs2137577279, ClinGen allele CA387747153.

ClinVar aggregate classification (germline): Likely pathogenic (1 of 4 stars; one submission).

Conditions:
Prostate cancer. Also called: Malignant tumor of prostate. Identifiers: Orphanet 1331, MedGen C0376358, MONDO:0008315, HP:0012125.

Submission:

MGZ Medical Genetics Center
Classification: Likely pathogenic for Familial prostate cancer. Last evaluated: 2022-05-31. Review status: criteria provided, single submitter. Criteria: ACMG Guidelines, 2015. Collection method: clinical testing. Allele origin: germline. Affected: yes. Observed: 3 variant alleles.
Comment: ACMG criteria applied: PVS1, PM2_SUP